The following is an entry in ClinVar:

NM_000078.3(CETP):c.527+6T>A

Gene: CETP (cholesteryl ester transfer protein; plus strand). Cytogenetic location: 16q13.
Variant type: single nucleotide variant.
Coding change: c.527+6T>A on transcript NM_000078.3 (MANE Select); 6 bases into the intron after coding-DNA position 527, T replaced by A.
Molecular consequence: intron variant.
Genome position (GRCh38, 1-based): chr16:56,970,007, T>A. VCF-style: chr16-56970007-T-A. GRCh37 (hg19) VCF-style: chr16-57003919-T-A.
Other names: c.527+6T>A (NM_001286085.2).
Identifiers: ClinVar variation 4717959 (VCV004717959.1).

ClinVar aggregate classification (germline): Uncertain significance (1 of 4 stars; one submission).

Submission:

Labcorp Genetics (formerly Invitae), Labcorp
Classification: Uncertain significance. Last evaluated: 2025-04-20. Review status: criteria provided, single submitter. Criteria: Invitae Variant Classification Sherloc (09022015). Collection method: clinical testing. Allele origin: germline.
Comment: This sequence change falls in intron 5 of the CETP gene. It does not directly change the encoded amino acid sequence of the CETP protein. It affects a nucleotide within the consensus splice site. This variant is not present in population databases (gnomAD no frequency). This variant has not been reported in the literature in individuals affected with CETP-related conditions. Variants that disrupt the consensus splice site are a relatively common cause of aberrant splicing (PMID: 17576681, 9536098). Algorithms developed to predict the effect of sequence changes on RNA splicing suggest that this variant may disrupt the consensus splice site. In summary, the available evidence is currently insufficient to determine the role of this variant in disease. Therefore, it has been classified as a Variant of Uncertain Significance.

Literature cited by the submitters: PubMed 17576681; PubMed 9536098.